The following is an entry in ClinVar:

ClinVar aggregate classification (germline): Uncertain significance (1 of 4 stars; one submission).

Submission:

Labcorp Genetics (formerly Invitae), Labcorp
Classification: Uncertain significance. Last evaluated: 2022-02-06. Review status: criteria provided, single submitter. Criteria: Invitae Variant Classification Sherloc (09022015). Collection method: clinical testing. Allele origin: germline.
Comment: This variant is not present in population databases (gnomAD no frequency). This sequence change replaces serine, which is neutral and polar, with proline, which is neutral and non-polar, at codon 466 of the ATP6V1B1 protein (p.Ser466Pro). This variant has not been reported in the literature in individuals affected with ATP6V1B1-related conditions. In summary, the available evidence is currently insufficient to determine the role of this variant in disease. Therefore, it has been classified as a Variant of Uncertain Significance. Algorithms developed to predict the effect of missense changes on protein structure and function are either unavailable or do not agree on the potential impact of this missense change (SIFT: "Deleterious"; PolyPhen-2: "Benign"; Align-GVGD: "Class C0").

NM_001692.4(ATP6V1B1):c.1396T>C (p.Ser466Pro)

Gene: ATP6V1B1 (ATPase H+ transporting V1 subunit B1; plus strand). Cytogenetic location: 2p13.3.
Variant type: single nucleotide variant.
Coding change: c.1396T>C on transcript NM_001692.4 (MANE Select); coding-DNA position 1396, T replaced by C.
Protein change: p.Ser466Pro; replaces serine 466 with proline.
Molecular consequence: missense variant.
Genome position (GRCh38, 1-based): chr2:70,964,975, T>C. VCF-style: chr2-70964975-T-C. GRCh37 (hg19) VCF-style: chr2-71192105-T-C.
Other names: short protein forms S466P.
Identifiers: ClinVar variation 2093884 (VCV002093884.4), dbSNP rs1680686511, ClinGen allele CA347189299.